The following is an entry in ClinVar:

NM_000426.4(LAMA2):c.488A>T (p.Tyr163Phe)

Gene: LAMA2 (laminin subunit alpha 2; plus strand). Cytogenetic location: 6q22.33.
Variant type: single nucleotide variant.
Coding change: c.488A>T on transcript NM_000426.4 (MANE Select); coding-DNA position 488, A replaced by T.
Protein change: p.Tyr163Phe; replaces tyrosine 163 with phenylalanine.
Molecular consequence: missense variant.
Genome position (GRCh38, 1-based): chr6:129,098,264, A>T. VCF-style: chr6-129098264-A-T. GRCh37 (hg19) VCF-style: chr6-129419409-A-T.
Other names: c.488A>T, p.Tyr163Phe (NM_001079823.2); short protein forms Y163F.
Identifiers: ClinVar variation 447686 (VCV000447686.13), dbSNP rs201175472, ClinGen allele CA3992348.

ClinVar aggregate classification (germline): Conflicting classifications of pathogenicity. Review status: criteria provided, conflicting classifications (1 of 4 stars). 6 submissions from 6 submitters: Uncertain significance (5); Likely benign (1). Last evaluated 2025-10-15.

Conditions:
LAMA2-related muscular dystrophy (LAMA2-RD). Also called: Laminin alpha 2-related dystrophy. Identifiers: MedGen C5679788, MONDO:0100228.
Inborn genetic diseases. Identifiers: MedGen C0950123, MeSH D030342.

Allele frequency attached by ClinVar (database versions not stated): gnomAD exomes below 0.00001 and 0.00001; gnomAD 0.00001; TOPMed 0.00001; ExAC 0.00002; ESP Exome Variant Server 0.00008.
gnomAD v4.1: 12 of 1,614,032 alleles (0.00074%); highest among the groups gnomAD compares: Non-Finnish European, 0.00076%; no homozygotes.

Submissions (6):

Ambry Genetics
Classification: Uncertain significance for Inborn genetic diseases. Last evaluated: 2025-10-15. Review status: criteria provided, single submitter. Criteria: Ambry Variant Classification Scheme 2023. Collection method: clinical testing. Allele origin: germline.

Labcorp Genetics (formerly Invitae), Labcorp
Classification: Uncertain significance for LAMA2-related muscular dystrophy. Last evaluated: 2025-10-08. Review status: criteria provided, single submitter. Criteria: Invitae Variant Classification Sherloc (09022015). Collection method: clinical testing. Allele origin: germline.
Comment: This sequence change replaces tyrosine, which is neutral and polar, with phenylalanine, which is neutral and non-polar, at codon 163 of the LAMA2 protein (p.Tyr163Phe). This variant is present in population databases (rs201175472, gnomAD 0.002%). This variant has not been reported in the literature in individuals affected with LAMA2-related conditions. ClinVar contains an entry for this variant (Variation ID: 447686). Invitae Evidence Modeling of protein sequence and biophysical properties (such as structural, functional, and spatial information, amino acid conservation, physicochemical variation, residue mobility, and thermodynamic stability) indicates that this missense variant is not expected to disrupt LAMA2 protein function with a negative predictive value of 95%. In summary, the available evidence is currently insufficient to determine the role of this variant in disease. Therefore, it has been classified as a Variant of Uncertain Significance.

Mayo Clinic Laboratories, Mayo Clinic
Classification: Uncertain significance. Last evaluated: 2025-08-02. Review status: criteria provided, single submitter. Criteria: ACMG Guidelines, 2015. Collection method: clinical testing. Allele origin: germline. Observed: 1 variant allele.
Comment: BP4

Revvity Omics, Revvity
Classification: Uncertain significance. Last evaluated: 2021-08-25. Review status: criteria provided, single submitter. Criteria: ACMG Guidelines, 2015. Collection method: clinical testing. Allele origin: germline.

GeneDx
Classification: Likely benign. Last evaluated: 2020-04-03. Review status: criteria provided, single submitter. Criteria: GeneDx Variant Classification Process June 2021. Collection method: clinical testing. Allele origin: germline. Affected: yes.
Comment: In silico analysis, which includes protein predictors and evolutionary conservation, supports that this variant does not alter protein structure/function; Has not been previously published as pathogenic or benign to our knowledge; Not observed at a significant frequency in large population cohorts (Lek et al., 2016)

Athena Diagnostics
Classification: Uncertain significance. Last evaluated: 2017-03-16. Review status: criteria provided, single submitter. Criteria: Athena Diagnostics Criteria. Collection method: clinical testing. Allele origin: germline.